The following is an entry in ClinVar:

ClinVar aggregate classification (germline): Uncertain significance (1 of 4 stars; one submission).

Allele frequency attached by ClinVar (database versions not stated): gnomAD 0.00002; gnomAD exomes 0.00002.

Submission:

Labcorp Genetics (formerly Invitae), Labcorp
Classification: Uncertain significance. Last evaluated: 2021-08-31. Review status: criteria provided, single submitter. Criteria: Invitae Variant Classification Sherloc (09022015). Collection method: clinical testing. Allele origin: germline.
Comment: This sequence change replaces arginine with tryptophan at codon 414 of the HPS6 protein (p.Arg414Trp). The arginine residue is highly conserved and there is a moderate physicochemical difference between arginine and tryptophan. This variant is not present in population databases (ExAC no frequency). This variant has not been reported in the literature in individuals affected with HPS6-related conditions. Algorithms developed to predict the effect of missense changes on protein structure and function (SIFT, PolyPhen-2, Align-GVGD) all suggest that this variant is likely to be disruptive. In summary, the available evidence is currently insufficient to determine the role of this variant in disease. Therefore, it has been classified as a Variant of Uncertain Significance.

NM_024747.6(HPS6):c.1240C>T (p.Arg414Trp)

Gene: HPS6 (HPS6 biogenesis of lysosomal organelles complex 2 subunit 3; plus strand). Cytogenetic location: 10q24.32.
Variant type: single nucleotide variant.
Coding change: c.1240C>T on transcript NM_024747.6 (MANE Select); coding-DNA position 1240, C replaced by T.
Protein change: p.Arg414Trp; replaces arginine 414 with tryptophan.
Molecular consequence: missense variant.
Genome position (GRCh38, 1-based): chr10:102,066,714, C>T. VCF-style: chr10-102066714-C-T. GRCh37 (hg19) VCF-style: chr10-103826471-C-T.
Other names: short protein forms R414W.
Identifiers: ClinVar variation 1496133 (VCV001496133.5), dbSNP rs369753117, ClinGen allele CA212201035.